The following is an entry in ClinVar:

NM_000257.4(MYH7):c.4409C>T (p.Ser1470Leu)

Genes: MHRT (myosin heavy chain associated RNA transcript; plus strand), MYH7 (myosin heavy chain 7; minus strand). Cytogenetic location: 14q11.2.
Variant type: single nucleotide variant.
Coding change: c.4409C>T on transcript NM_000257.4 (MANE Select); coding-DNA position 4409, C replaced by T.
Protein change: p.Ser1470Leu; replaces serine 1470 with leucine.
Molecular consequence: missense variant. On other transcripts: non-coding transcript variant (1).
Genome position (GRCh38, 1-based): chr14:23,417,263, G>A on the plus strand (C>T on the coding strand, the complement: MYH7 is on the minus strand). VCF-style: chr14-23417263-G-A. GRCh37 (hg19) VCF-style: chr14-23886472-G-A.
Other names: short protein forms S1470L.
Identifiers: ClinVar variation 1445446 (VCV001445446.8), dbSNP rs1468116782, ClinGen allele CA389038632.

ClinVar aggregate classification (germline): Uncertain significance. Review status: criteria provided, multiple submitters, no conflicts (2 of 4 stars). 2 submissions from 2 submitters: Uncertain significance (2). Last evaluated 2024-03-05.

Conditions:
Cardiomyopathy (CMYO). Also called: Cardiomyopathies. Identifiers: Orphanet 167848, MedGen C0878544, MONDO:0004994, HP:0001638. Inheritance: Various modes of inheritance.
Hypertrophic cardiomyopathy. Also called: HYPERTROPHIC MYOCARDIOPATHY. Identifiers: Orphanet 217569, MedGen C0007194, MeSH D002312, MONDO:0005045, HP:0001639.

Allele frequency attached by ClinVar (database versions not stated): gnomAD exomes below 0.00001.
gnomAD v4.1: 5 of 1,614,172 alleles (0.00031%); highest among the groups gnomAD compares: Non-Finnish European, 0.00042%; no homozygotes.

Submissions (2):

All of Us Research Program, National Institutes of Health
Classification: Uncertain significance for Cardiomyopathy. Last evaluated: 2024-03-05. Review status: criteria provided, single submitter. Criteria: ACMG Guidelines, 2015. Collection method: clinical testing. Allele origin: germline. Inheritance: Autosomal dominant inheritance. Observed: 1 variant allele, 1 heterozygote.
Comment: This study involves interpretation of variants in research participants for the purpose of population health screening. Participant phenotype was not available at the time of variant classification. Additional details can be found in publication PMID: 35346344, PMCID: PMC8962531

Labcorp Genetics (formerly Invitae), Labcorp
Classification: Uncertain significance for Hypertrophic cardiomyopathy. Last evaluated: 2024-01-20. Review status: criteria provided, single submitter. Criteria: Invitae Variant Classification Sherloc (09022015). Collection method: clinical testing. Allele origin: germline.
Comment: This sequence change replaces serine, which is neutral and polar, with leucine, which is neutral and non-polar, at codon 1470 of the MYH7 protein (p.Ser1470Leu). This variant is present in population databases (no rsID available, gnomAD 0.0009%). This variant has not been reported in the literature in individuals affected with MYH7-related conditions. ClinVar contains an entry for this variant (Variation ID: 1445446). Advanced modeling of protein sequence and biophysical properties (such as structural, functional, and spatial information, amino acid conservation, physicochemical variation, residue mobility, and thermodynamic stability) performed at Invitae indicates that this missense variant is expected to disrupt MYH7 protein function with a positive predictive value of 95%. In summary, the available evidence is currently insufficient to determine the role of this variant in disease. Therefore, it has been classified as a Variant of Uncertain Significance.